The following is an entry in ClinVar:

NM_001130144.3(LTBP3):c.3291C>G (p.Cys1097Trp)

Gene: LTBP3 (latent transforming growth factor beta binding protein 3; minus strand). Cytogenetic location: 11q13.1.
Variant type: single nucleotide variant.
Coding change: c.3291C>G on transcript NM_001130144.3 (MANE Select); coding-DNA position 3291, C replaced by G.
Protein change: p.Cys1097Trp; replaces cysteine 1097 with tryptophan.
Molecular consequence: missense variant. On other transcripts: intron variant (2).
Genome position (GRCh38, 1-based): chr11:65,540,107, G>C on the plus strand (C>G on the coding strand, the complement: LTBP3 is on the minus strand). VCF-style: chr11-65540107-G-C. GRCh37 (hg19) VCF-style: chr11-65307578-G-C.
Other names: c.2893+138C>G (NM_001164266.1); c.3244+138C>G (NM_021070.4); short protein forms C1097W.
Identifiers: ClinVar variation 4624011 (VCV004624011.1).

ClinVar aggregate classification (germline): Uncertain significance (1 of 4 stars; one submission).

Conditions:
Inborn genetic diseases. Identifiers: MedGen C0950123, MeSH D030342.

gnomAD v4.1: 1 of 1,526,422 alleles (0.000066%); highest among the groups gnomAD compares: African/African-American, 0.0014%; no homozygotes.

Submission:

Ambry Genetics
Classification: Uncertain significance for Inborn genetic diseases. Last evaluated: 2025-11-16. Review status: criteria provided, single submitter. Criteria: Ambry Variant Classification Scheme 2023. Collection method: clinical testing. Allele origin: germline.
Comment: The p.C1097W variant (also known as c.3291C>G), located in coding exon 24 of the LTBP3 gene, results from a C to G substitution at nucleotide position 3291. The cysteine at codon 1097 is replaced by tryptophan, an amino acid with highly dissimilar properties. This amino acid position is conserved. In addition, this alteration is predicted to be deleterious by in silico analysis. Based on the available evidence, the clinical significance of this variant remains unclear.